The following is an entry in ClinVar:

ClinVar aggregate classification (germline): Uncertain significance. Review status: criteria provided, multiple submitters, no conflicts (2 of 4 stars). 3 submissions from 3 submitters: Uncertain significance (3). Last evaluated 2025-07-23.

Conditions:
Inborn genetic diseases. Identifiers: MedGen C0950123, MeSH D030342.

Allele frequency attached by ClinVar (database versions not stated): gnomAD exomes below 0.00001.
gnomAD v4.1: 1 of 1,614,210 alleles (0.000062%); highest among the groups gnomAD compares: South Asian, 0.0011%; no homozygotes.

Submissions (3):

Labcorp Genetics (formerly Invitae), Labcorp
Classification: Uncertain significance. Last evaluated: 2025-07-23. Review status: criteria provided, single submitter. Criteria: Invitae Variant Classification Sherloc (09022015). Collection method: clinical testing. Allele origin: germline.
Comment: This sequence change replaces proline, which is neutral and non-polar, with arginine, which is basic and polar, at codon 1554 of the COL4A3 protein (p.Pro1554Arg). This variant is present in population databases (no rsID available, gnomAD 0.003%). This variant has not been reported in the literature in individuals affected with COL4A3-related conditions. ClinVar contains an entry for this variant (Variation ID: 1304500). Invitae Evidence Modeling of protein sequence and biophysical properties (such as structural, functional, and spatial information, amino acid conservation, physicochemical variation, residue mobility, and thermodynamic stability) indicates that this missense variant is expected to disrupt COL4A3 protein function with a positive predictive value of 95%. In summary, the available evidence is currently insufficient to determine the role of this variant in disease. Therefore, it has been classified as a Variant of Uncertain Significance.

Ambry Genetics
Classification: Uncertain significance for Inborn genetic diseases. Last evaluated: 2022-08-16. Review status: criteria provided, single submitter. Criteria: Ambry Variant Classification Scheme 2023. Collection method: clinical testing. Allele origin: germline.

GeneDx
Classification: Uncertain significance. Last evaluated: 2019-01-29. Review status: criteria provided, single submitter. Criteria: GeneDx Variant Classification Process June 2021. Collection method: clinical testing. Allele origin: germline. Affected: yes.
Comment: In silico analysis, which includes protein predictors and evolutionary conservation, supports a deleterious effect; Has not been previously published as pathogenic or benign to our knowledge

NM_000091.5(COL4A3):c.4661C>G (p.Pro1554Arg)

Genes: COL4A3 (collagen type IV alpha 3 chain; plus strand), MFF-DT (MFF divergent transcript; minus strand). Cytogenetic location: 2q36.3.
Variant type: single nucleotide variant.
Coding change: c.4661C>G on transcript NM_000091.5 (MANE Select); coding-DNA position 4661, C replaced by G.
Protein change: p.Pro1554Arg; replaces proline 1554 with arginine.
Molecular consequence: missense variant.
Genome position (GRCh38, 1-based): chr2:227,309,224, C>G. VCF-style: chr2-227309224-C-G. GRCh37 (hg19) VCF-style: chr2-228173940-C-G.
Other names: short protein forms P1554R.
Identifiers: ClinVar variation 1304500 (VCV001304500.5), dbSNP rs1221621618, ClinGen allele CA350865520.
Genomic context (GRCh38, chr2:227,309,224, plus strand): 5'-AAAGTGGCAATGCCGCCATAGTCTTTGTTTCATGTTACAGATGCACTGTTTGTGAAGGTC[C>G]TGCGATCGCCATAGCCGTTCACAGCCAAACCACTGACATTCCTCCATGTCCTCACGGCTG-3'
Protein context (NP_000082.2, residues 1544-1564): YISRCTVCEG[Pro1554Arg]AIAIAVHSQT